The following is an entry in ClinVar:

ClinVar aggregate classification (germline): Uncertain significance (1 of 4 stars; one submission).

Conditions:
Severe combined immunodeficiency due to DNA-PKcs deficiency. Also called: Immunodeficiency 26 with or without neurologic abnormalities; IMMUNODEFICIENCY 26 WITH NEUROLOGIC ABNORMALITIES. Identifiers: Orphanet 317425, MedGen C4014833, MONDO:0014423, OMIM 615966.

Submission:

Labcorp Genetics (formerly Invitae), Labcorp
Classification: Uncertain significance for Severe combined immunodeficiency due to DNA-PKcs deficiency. Last evaluated: 2022-10-17. Review status: criteria provided, single submitter. Criteria: Invitae Variant Classification Sherloc (09022015). Collection method: clinical testing. Allele origin: germline.
Comment: In summary, the available evidence is currently insufficient to determine the role of this variant in disease. Therefore, it has been classified as a Variant of Uncertain Significance. Variants that disrupt the consensus splice site are a relatively common cause of aberrant splicing (PMID: 17576681, 9536098). Algorithms developed to predict the effect of sequence changes on RNA splicing suggest that this variant is not likely to affect RNA splicing. ClinVar contains an entry for this variant (Variation ID: 1467954). This variant has not been reported in the literature in individuals affected with PRKDC-related conditions. This variant is not present in population databases (gnomAD no frequency). This sequence change falls in intron 42 of the PRKDC gene. It does not directly change the encoded amino acid sequence of the PRKDC protein. It affects a nucleotide within the consensus splice site.

Literature cited by the submitters: PubMed 17576681; PubMed 9536098.

NM_006904.7(PRKDC):c.5750+3A>G

Gene: PRKDC (protein kinase, DNA-activated, catalytic subunit; minus strand). Cytogenetic location: 8q11.21.
Variant type: single nucleotide variant.
Coding change: c.5750+3A>G on transcript NM_006904.7 (MANE Select); 3 bases into the intron after coding-DNA position 5750, A replaced by G.
Molecular consequence: intron variant.
Genome position (GRCh38, 1-based): chr8:47,863,396, T>C on the plus strand (A>G on the coding strand, the complement: PRKDC is on the minus strand). VCF-style: chr8-47863396-T-C. GRCh37 (hg19) VCF-style: chr8-48775957-T-C.
Other names: c.5750+3A>G (NM_001081640.2).
Identifiers: ClinVar variation 1467954 (VCV001467954.6), dbSNP rs2154500743, ClinGen allele CA2573143148.